The following is an entry in ClinVar:

ClinVar aggregate classification (germline): Likely pathogenic (1 of 4 stars; one submission).

Conditions:
PHIP-related disorder. Also called: PHIP-related disorders; PHIP-related condition.

Submission:

PreventionGenetics, part of Exact Sciences
Classification: Likely pathogenic for PHIP-related condition. Last evaluated: 2026-07-15. Review status: criteria provided, single submitter. Criteria: ACMG Guidelines, 2015. Collection method: clinical testing. Allele origin: germline.
Comment: The PHIP c.450_451delGT variant is predicted to result in a frameshift and premature protein termination (p.Ser152Lysfs*10). To our knowledge, this variant has not been reported in the literature or in a large population database (gnomAD), indicating this variant is rare. Frameshift variants in PHIP are expected to be pathogenic. This variant is interpreted as likely pathogenic.

NM_017934.7(PHIP):c.450_451del (p.Ser152fs)

Gene: PHIP (PHIP subunit of CUL4-Ring ligase complex; minus strand). Cytogenetic location: 6q14.1.
Variant type: Deletion.
Coding change: c.450_451del on transcript NM_017934.7 (MANE Select); coding-DNA positions 450 to 451, 2 bases deleted (GT; older notation c.450_451delGT).
Protein change: p.Ser152fs; shifts the reading frame from serine 152.
Molecular consequence: frameshift variant.
Genome position (GRCh38, 1-based): chr6:79,042,992-79,042,993, AC deleted on the plus strand (GT on the coding strand, the reverse complement: PHIP is on the minus strand); deleting any 2 consecutive bases within chr6:79,042,992-79,042,994 gives the same sequence; the c. name uses the placement nearest the transcript's 3' end. VCF-style (leftmost placement, unchanged base first): chr6-79042991-AAC-A. GRCh37 (hg19) VCF-style: chr6-79752708-AAC-A.
Other names: short protein forms S152fs.
Identifiers: ClinVar variation 4995032 (VCV004995032.1).